The following is an entry in ClinVar:

NM_020066.5(FMN2):c.2868G>T (p.Pro956=)

Gene: FMN2 (formin 2; plus strand). Cytogenetic location: 1q43.
Variant type: single nucleotide variant.
Coding change: c.2868G>T on transcript NM_020066.5 (MANE Select); coding-DNA position 2868, G replaced by T.
Protein change: p.Pro956=; no amino-acid change (proline 956 retained).
Molecular consequence: synonymous variant. On other transcripts: intron variant (1).
Genome position (GRCh38, 1-based): chr1:240,207,680, G>T. VCF-style: chr1-240207680-G-T. GRCh37 (hg19) VCF-style: chr1-240370980-G-T.
Other names: c.2880G>T, p.Pro960= (NM_001305424.2); c.1986+19418G>T (NM_001348094.2).
Identifiers: ClinVar variation 3041558 (VCV003041558.1), dbSNP rs1374115595, ClinGen allele CA1476830.

ClinVar aggregate classification (germline): Benign (1 of 4 stars; one submission).

Conditions:
FMN2-related disorder. Also called: FMN2-related condition.

Allele frequency attached by ClinVar (database versions not stated): ExAC 0.00160; gnomAD 0.02160.

Submission:

PreventionGenetics, part of Exact Sciences
Classification: Benign for FMN2-related condition. Last evaluated: 2019-08-08. Review status: criteria provided, single submitter. Criteria: ACMG Guidelines, 2015. Collection method: clinical testing. Allele origin: germline.
Comment: This variant is classified as benign based on ACMG/AMP sequence variant interpretation guidelines (Richards et al. 2015 PMID: 25741868, with internal and published modifications).